The following is an entry in ClinVar:

ClinVar aggregate classification (germline): Pathogenic. Review status: criteria provided, multiple submitters, no conflicts (2 of 4 stars). 3 submissions from 3 submitters: Pathogenic (3). Last evaluated 2025-09-17.

Conditions:
Hereditary retinoblastoma. Identifiers: Orphanet 357027, MedGen C0751483, MONDO:0018160.
Retinoblastoma (RB1). Also called: RETINOBLASTOMA, SOMATIC. Identifiers: Orphanet 790, MedGen C0035335, MeSH D012175, MONDO:0008380, OMIM 180200, HP:0009919. Disease mechanism: loss of function. Inheritance: Both sporadic and heritable forms are tested..
Hereditary cancer-predisposing syndrome. Also called: Hereditary Cancer Syndrome; Neoplastic Syndromes, Hereditary; Hereditary neoplastic syndrome; Tumor predisposition. Identifiers: Orphanet 140162, MedGen C0027672, MeSH D009386, MONDO:0015356.

Submissions (3):

Ramesar Group, Division of Human Genetics, Institute of Infectious Diseases and Molecular Medicine, UCT/MRC Genomic and Precision Medicine Research Unit, University of Cape Town
Classification: Pathogenic for Hereditary retinoblastoma. Last evaluated: 2025-09-17. Review status: criteria provided, single submitter. Criteria: ACMG Guidelines, 2015. Collection method: research. Allele origin: germline. Affected: yes. Observed: 1 variant allele.
Comment: PVS1: Null variant (frameshift) in a gene (RB1) where LOF is a known mechanism of disease PM2: Absent from gnomAD and ExAC PP4: Patient presents with bilateral retinoblastoma PP5: Reported as pathogenic in ClinVar and the LOVD

Labcorp Genetics (formerly Invitae), Labcorp
Classification: Pathogenic for Retinoblastoma. Last evaluated: 2025-08-09. Review status: criteria provided, single submitter. Criteria: Invitae Variant Classification Sherloc (09022015). Collection method: clinical testing. Allele origin: germline.
Comment: This sequence change creates a premature translational stop signal (p.Arg355Asnfs*6) in the RB1 gene. It is expected to result in an absent or disrupted protein product. Loss-of-function variants in RB1 are known to be pathogenic (PMID: 17096365). This variant is not present in population databases (gnomAD no frequency). This premature translational stop signal has been observed in individual(s) with retinoblastoma (PMID: 12173465). For these reasons, this variant has been classified as Pathogenic.

Ambry Genetics
Classification: Pathogenic for Hereditary cancer-predisposing syndrome. Last evaluated: 2013-06-04. Review status: criteria provided, single submitter. Criteria: Ambry Autosomal Dominant and X-Linked criteria (10/2015). Collection method: clinical testing. Allele origin: germline. Observed: 1 variant allele.
Comment: This alteration is expected to result in loss of function by premature protein truncation or nonsense-mediatedâ€¯mRNAâ€¯decay.â€¯As such, this alteration is interpreted as a disease-causing mutation.

Literature cited by the submitters: PubMed 17096365 (cited by Labcorp Genetics (formerly Invitae), Labcorp); PubMed 12173465 (cited by Labcorp Genetics (formerly Invitae), Labcorp).

NM_000321.3(RB1):c.1064_1065del (p.Arg355fs)

Gene: RB1 (RB transcriptional corepressor 1; plus strand). Cytogenetic location: 13q14.2.
Variant type: Microsatellite.
Coding change: c.1064_1065del on transcript NM_000321.3 (MANE Select); coding-DNA positions 1064 to 1065, 2 bases deleted (GA; older notation c.1064_1065delGA).
Protein change: p.Arg355fs; shifts the reading frame from arginine 355.
Molecular consequence: frameshift variant.
Genome position (GRCh38, 1-based): chr13:48,368,541-48,368,542, GA deleted; deleting any 2 consecutive bases within chr13:48,368,538-48,368,542 gives the same sequence; the c. name uses the placement nearest the transcript's 3' end. VCF-style (leftmost placement, unchanged base first): chr13-48368537-CAG-C. GRCh37 (hg19) VCF-style: chr13-48942673-CAG-C.
Other names: c.1064_1065delGA (NM_000321.2); short protein forms R355fs.
Identifiers: ClinVar variation 428679 (VCV000428679.4), dbSNP rs1131690861, ClinGen allele CA645369541.